The following is an entry in ClinVar:

ClinVar aggregate classification (germline): Pathogenic/Likely pathogenic. Review status: criteria provided, multiple submitters, no conflicts (2 of 4 stars). 4 submissions from 4 submitters: Pathogenic (2); Likely pathogenic (2). Last evaluated 2025-02-24.

Conditions:
Familial thoracic aortic aneurysm and aortic dissection (TAAD). Also called: Thoracic aortic aneurysms and dissections. Identifiers: Orphanet 91387, MedGen C4707243, MONDO:0019625.
Marfan syndrome (MFS). Also called: Marfan syndrome type 1; Marfan syndrome, classic; Marfan's syndrome; FBN1-Related Marfan Syndrome; MARFAN SYNDROME, TYPE I. Identifiers: Orphanet 284963, Orphanet 558, MedGen C0024796, MONDO:0007947, OMIM 154700.
FBN1-related disorder. Also called: FBN1-related disorders.

Submissions (4):

Labcorp Genetics (formerly Invitae), Labcorp
Classification: Pathogenic for Marfan syndrome; Familial thoracic aortic aneurysm and aortic dissection. Last evaluated: 2025-02-24. Review status: criteria provided, single submitter. Criteria: Invitae Variant Classification Sherloc (09022015). Collection method: clinical testing. Allele origin: germline.
Comment: This sequence change affects codon 891 of the FBN1 mRNA. It is a 'silent' change, meaning that it does not change the encoded amino acid sequence of the FBN1 protein. This variant is not present in population databases (gnomAD no frequency). This variant has been observed in individual(s) with clinical features of Marfan syndrome (PMID: 33483584, 35741789; internal data). In at least one individual the variant was observed to be de novo. ClinVar contains an entry for this variant (Variation ID: 520242). Algorithms developed to predict the effect of sequence changes on RNA splicing suggest that this variant may disrupt the consensus splice site. For these reasons, this variant has been classified as Pathogenic.

Ambry Genetics
Classification: Pathogenic for Familial thoracic aortic aneurysm and aortic dissection. Last evaluated: 2021-04-05. Review status: criteria provided, single submitter. Criteria: Ambry Variant Classification Scheme 2023. Collection method: clinical testing. Allele origin: germline.
Comment: The c.2673A>G pathogenic mutation (also known as p.Q891Q) located in coding exon 21, results from an A to G substitution at nucleotide position 2673 of the FBN1 gene. This nucleotide substitution does not change the amino acid at codon 891. This alteration has been observed in multiple individuals with a personal and/or family history that is consistent with FBN1-related disease (Ambry internal data). In silico splice site analysis predicts that this alteration will weaken the native splice donor site and will result in the creation or strengthening of a novel splice donor site. RNA studies have revealed that the predicted alternate donor splice site four base pairs upstream of the native donor splice site is utilized, resulting in a frameshift with a premature stop codon that is subject to nonsense-mediated mRNA decay (Center for Human Genetics, Cleveland, OH, pers. comm.). Based on the supporting evidence, this alteration is interpreted as a disease-causing mutation.

GeneDx
Classification: Likely pathogenic. Last evaluated: 2019-06-04. Review status: criteria provided, single submitter. Criteria: GeneDx Variant Classification Process June 2021. Collection method: clinical testing. Allele origin: germline. Affected: yes.
Comment: Has not been previously published as pathogenic or benign to our knowledge; Not observed in large population cohorts (Lek et al., 2016); Reported in ClinVar as likely pathogenic (ClinVar Variant ID# 520242; Landrum et al., 2016); In silico analysis, which includes splice predictors and evolutionary conservation, suggests this variant may create a new splice donor site four nucleotide positions upstream of the native donor site; however, in the absence of RNA/functional studies, the actual effect of this sequence change is unknown

Blueprint Genetics
Classification: Likely pathogenic for FBN1-related disorders. Last evaluated: 2018-07-15. Review status: criteria provided, single submitter. Criteria: ACMG Guidelines, 2015. Collection method: clinical testing. Allele origin: germline. Affected: yes. Observed: 2 variant alleles.

Literature cited by the submitters: PubMed 33483584 (cited by Labcorp Genetics (formerly Invitae), Labcorp); PubMed 35741789 (cited by Labcorp Genetics (formerly Invitae), Labcorp).

NM_000138.5(FBN1):c.2673A>G (p.Gln891=)

Gene: FBN1 (fibrillin 1; minus strand). Cytogenetic location: 15q21.1.
Variant type: single nucleotide variant.
Coding change: c.2673A>G on transcript NM_000138.5 (MANE Select); coding-DNA position 2673, A replaced by G.
Protein change: p.Gln891=; no amino-acid change (glutamine 891 retained).
Molecular consequence: synonymous variant.
Genome position (GRCh38, 1-based): chr15:48,495,127, T>C on the plus strand (A>G on the coding strand, the complement: FBN1 is on the minus strand). VCF-style: chr15-48495127-T-C. GRCh37 (hg19) VCF-style: chr15-48787324-T-C.
Identifiers: ClinVar variation 520242 (VCV000520242.19), dbSNP rs1555399143, ClinGen allele CA490021918.